The following is an entry in ClinVar:

NM_173076.3(ABCA12):c.4436T>C (p.Leu1479Pro)

Gene: ABCA12 (ATP binding cassette subfamily A member 12; minus strand). Cytogenetic location: 2q35.
Variant type: single nucleotide variant.
Coding change: c.4436T>C on transcript NM_173076.3 (MANE Select); coding-DNA position 4436, T replaced by C.
Protein change: p.Leu1479Pro; replaces leucine 1479 with proline.
Molecular consequence: missense variant. On other transcripts: non-coding transcript variant (1).
Genome position (GRCh38, 1-based): chr2:214,982,330, A>G on the plus strand (T>C on the coding strand, the complement: ABCA12 is on the minus strand). VCF-style: chr2-214982330-A-G. GRCh37 (hg19) VCF-style: chr2-215847054-A-G.
Other names: c.3482T>C, p.Leu1161Pro (NM_015657.4); short protein forms L1161P, L1479P.
Identifiers: ClinVar variation 2438710 (VCV002438710.4), dbSNP rs2469234071, ClinGen allele CA350462087.
Genomic context (GRCh38, chr2:214,982,330, plus strand): 5'-ACCCTTGATCCACCAATGAGAGCTATGGATATAGATAACTTCCTCTTCATGCCTCCTGAC[A>G]GTGTTCCAACTCTCTTATGACGATGGCTATATAGTCCAGTATCTTTTAAAGTCCTTCAAA-3'
Protein context (NP_775099.2, residues 1469-1489): YSHRHKRVGT[Leu1479Pro]SGGMKRKLSI

ClinVar aggregate classification (germline): Uncertain significance. Review status: criteria provided, multiple submitters, no conflicts (2 of 4 stars). 2 submissions from 2 submitters: Uncertain significance (2). Last evaluated 2024-05-14.

Submissions (2):

Women's Health and Genetics/Laboratory Corporation of America, LabCorp
Classification: Uncertain significance. Last evaluated: 2024-05-14. Review status: criteria provided, single submitter. Criteria: LabCorp Variant Classification Summary - May 2015. Collection method: clinical testing. Allele origin: germline.
Comment: Variant summary: ABCA12 c.4436T>C (p.Leu1479Pro) results in a non-conservative amino acid change located in the ABC transporter-like, ATP-binding domain (IPR003439) of the encoded protein sequence. Five of five in-silico tools predict a damaging effect of the variant on protein function. The variant was absent in 251210 control chromosomes. The available data on variant occurrences in the general population are insufficient to allow any conclusion about variant significance. c.4436T>C has been reported in the literature in individuals affected with congenital Ichthyosis. These report(s) do not provide unequivocal conclusions about association of the variant with Lamellar Ichthyosis. To our knowledge, no experimental evidence demonstrating an impact on protein function has been reported. The following publication have been ascertained in the context of this evaluation (PMID: 36262015). ClinVar contains an entry for this variant (Variation ID: 2438710). Based on the evidence outlined above, the variant was classified as uncertain significance.

Revvity Omics, Revvity
Classification: Uncertain significance. Last evaluated: 2023-08-10. Review status: criteria provided, single submitter. Criteria: ACMG Guidelines, 2015. Collection method: clinical testing. Allele origin: germline.

Literature cited by the submitters: PubMed 36262015 (cited by Women's Health and Genetics/Laboratory Corporation of America, LabCorp).